The following is an entry in ClinVar:

ClinVar aggregate classification (germline): Likely benign (1 of 4 stars; one submission).

Submission:

CeGaT Center for Human Genetics Tuebingen
Classification: Likely benign. Last evaluated: 2026-06-01. Review status: criteria provided, single submitter. Criteria: CeGaT Center For Human Genetics Tuebingen Variant Classification Criteria Version 2. Collection method: clinical testing. Allele origin: germline. Affected: yes. Observed: 1 variant allele.
Comment: RNU6-9: BS2

NR_104080.1(RNU6-9):n.55_56insT

Gene: RNU6-9 (RNA, U6 small nuclear 9; plus strand). Cytogenetic location: 19p13.3.
Variant type: Insertion.
Molecular consequence: non-coding transcript variant (on NR_104080.1).
Genome position: GRCh38 VCF-style: chr19-893538-C-CT. GRCh37 (hg19) VCF-style: chr19-893538-C-CT.
Identifiers: ClinVar variation 4874290 (VCV004874290.2).